The following is an entry in ClinVar:

NM_003467.3(CXCR4):c.394C>G (p.Leu132Val)

Gene: CXCR4 (C-X-C motif chemokine receptor 4; minus strand). Cytogenetic location: 2q22.1.
Variant type: single nucleotide variant.
Coding change: c.394C>G on transcript NM_003467.3 (MANE Select); coding-DNA position 394, C replaced by G.
Protein change: p.Leu132Val; replaces leucine 132 with valine.
Molecular consequence: missense variant.
Genome position (GRCh38, 1-based): chr2:136,115,534, G>C on the plus strand (C>G on the coding strand, the complement: CXCR4 is on the minus strand). VCF-style: chr2-136115534-G-C. GRCh37 (hg19) VCF-style: chr2-136873104-G-C.
Other names: c.406C>G, p.Leu136Val (NM_001008540.2); c.607C>G, p.Leu203Val (NM_001348056.2); c.493C>G, p.Leu165Val (NM_001348059.2); c.349C>G, p.Leu117Val (NM_001348060.2); short protein forms L117V, L132V, L136V, L165V, L203V.
Identifiers: ClinVar variation 1995715 (VCV001995715.5), dbSNP rs771750319, ClinGen allele CA1890124.

ClinVar aggregate classification (germline): Uncertain significance. Review status: criteria provided, multiple submitters, no conflicts (2 of 4 stars). 2 submissions from 2 submitters: Uncertain significance (2). Last evaluated 2025-08-29.

Conditions:
Warts, hypogammaglobulinemia, infections, and myelokathexis. Also called: WHIM syndrome. Identifiers: MedGen C0472817, MONDO:0023880.
Inborn genetic diseases. Identifiers: MedGen C0950123, MeSH D030342.

Allele frequency attached by ClinVar (database versions not stated): ExAC 0.00001.

Submissions (2):

Ambry Genetics
Classification: Uncertain significance for Inborn genetic diseases. Last evaluated: 2025-08-29. Review status: criteria provided, single submitter. Criteria: Ambry Variant Classification Scheme 2023. Collection method: clinical testing. Allele origin: germline.

Labcorp Genetics (formerly Invitae), Labcorp
Classification: Uncertain significance for Warts, hypogammaglobulinemia, infections, and myelokathexis. Last evaluated: 2024-07-24. Review status: criteria provided, single submitter. Criteria: Invitae Variant Classification Sherloc (09022015). Collection method: clinical testing. Allele origin: germline.
Comment: This sequence change replaces leucine, which is neutral and non-polar, with valine, which is neutral and non-polar, at codon 132 of the CXCR4 protein (p.Leu132Val). This variant is present in population databases (rs771750319, gnomAD 0.002%). This variant has not been reported in the literature in individuals affected with CXCR4-related conditions. ClinVar contains an entry for this variant (Variation ID: 1995715). An algorithm developed to predict the effect of missense changes on protein structure and function (PolyPhen-2) suggests that this variant is likely to be tolerated. In summary, the available evidence is currently insufficient to determine the role of this variant in disease. Therefore, it has been classified as a Variant of Uncertain Significance.